The following is an entry in ClinVar:

NM_001286.5(CLCN6):c.2296-2A>G

Gene: CLCN6 (chloride voltage-gated channel 6; plus strand). Cytogenetic location: 1p36.22.
Variant type: single nucleotide variant.
Coding change: c.2296-2A>G on transcript NM_001286.5 (MANE Select); the canonical splice acceptor site of the intron before coding-DNA position 2296, A replaced by G.
Molecular consequence: splice acceptor variant.
Genome position (GRCh38, 1-based): chr1:11,838,333, A>G. VCF-style: chr1-11838333-A-G. GRCh37 (hg19) VCF-style: chr1-11898390-A-G.
Other names: c.2230-2A>G (NM_001256959.2).
Identifiers: ClinVar variation 3672352 (VCV003672352.2).

ClinVar aggregate classification (germline): Uncertain significance (1 of 4 stars; one submission).

Submission:

Labcorp Genetics (formerly Invitae), Labcorp
Classification: Uncertain significance. Last evaluated: 2024-11-11. Review status: criteria provided, single submitter. Criteria: Invitae Variant Classification Sherloc (09022015). Collection method: clinical testing. Allele origin: germline.
Comment: This sequence change affects an acceptor splice site in intron 20 of the CLCN6 gene. It is expected to disrupt RNA splicing. Variants that disrupt the donor or acceptor splice site typically lead to a loss of protein function (PMID: 16199547), however the current clinical and genetic evidence is not sufficient to establish whether loss-of-function variants in CLCN6 cause disease. This variant is not present in population databases (gnomAD no frequency). This variant has not been reported in the literature in individuals affected with CLCN6-related conditions. Algorithms developed to predict the effect of sequence changes on RNA splicing suggest that this variant may disrupt the consensus splice site. In summary, the available evidence is currently insufficient to determine the role of this variant in disease. Therefore, it has been classified as a Variant of Uncertain Significance.

Literature cited by the submitters: PubMed 16199547.